The following is an entry in ClinVar:

NM_000092.5(COL4A4):c.2384-1G>A

Gene: COL4A4 (collagen type IV alpha 4 chain; minus strand). Cytogenetic location: 2q36.3.
Variant type: single nucleotide variant.
Coding change: c.2384-1G>A on transcript NM_000092.5 (MANE Select); the canonical splice acceptor site of the intron before coding-DNA position 2384, G replaced by A.
Molecular consequence: splice acceptor variant.
Genome position (GRCh38, 1-based): chr2:227,057,601, C>T on the plus strand (G>A on the coding strand, the complement: COL4A4 is on the minus strand). VCF-style: chr2-227057601-C-T. GRCh37 (hg19) VCF-style: chr2-227922317-C-T.
Identifiers: ClinVar variation 4540817 (VCV004540817.2).

ClinVar aggregate classification (germline): Likely pathogenic. Review status: criteria provided, multiple submitters, no conflicts (2 of 4 stars). 2 submissions from 2 submitters: Likely pathogenic (2). Last evaluated 2025-10-03.

Submissions (2):

Labcorp Genetics (formerly Invitae), Labcorp
Classification: Likely pathogenic. Last evaluated: 2025-10-03. Review status: criteria provided, single submitter. Criteria: Invitae Variant Classification Sherloc (09022015). Collection method: clinical testing. Allele origin: germline.
Comment: This sequence change affects an acceptor splice site in intron 28 of the COL4A4 gene. It is expected to disrupt RNA splicing. Variants that disrupt the donor or acceptor splice site typically lead to a loss of protein function (PMID: 16199547), and loss-of-function variants in COL4A4 are known to be pathogenic (PMID: 21196518, 24854265, 25307543). This variant is not present in population databases (gnomAD no frequency). Disruption of this splice site has been observed in individual(s) with clinical features of Aport syndrome (internal data). Algorithms developed to predict the effect of sequence changes on RNA splicing suggest that this variant may disrupt the consensus splice site. In summary, the currently available evidence indicates that the variant is pathogenic, but additional data are needed to prove that conclusively. Therefore, this variant has been classified as Likely Pathogenic.

Mayo Clinic Laboratories, Mayo Clinic
Classification: Likely pathogenic. Last evaluated: 2025-08-05. Review status: criteria provided, single submitter. Criteria: ACMG Guidelines, 2015. Collection method: clinical testing. Allele origin: germline. Observed: 1 variant allele.
Comment: PM2_supporting, PVS1_strong

Literature cited by the submitters: PubMed 16199547 (cited by Labcorp Genetics (formerly Invitae), Labcorp); PubMed 21196518 (cited by Labcorp Genetics (formerly Invitae), Labcorp); PubMed 24854265 (cited by Labcorp Genetics (formerly Invitae), Labcorp); PubMed 25307543 (cited by Labcorp Genetics (formerly Invitae), Labcorp).